The following is an entry in ClinVar:

NM_004329.3(BMPR1A):c.1528T>C (p.Ser510Pro)

Gene: BMPR1A (bone morphogenetic protein receptor type 1A; plus strand). Cytogenetic location: 10q23.2.
Variant type: single nucleotide variant.
Coding change: c.1528T>C on transcript NM_004329.3 (MANE Select); coding-DNA position 1528, T replaced by C.
Protein change: p.Ser510Pro; replaces serine 510 with proline.
Molecular consequence: missense variant.
Genome position (GRCh38, 1-based): chr10:86,923,648, T>C. VCF-style: chr10-86923648-T-C. GRCh37 (hg19) VCF-style: chr10-88683405-T-C.
Other names: c.1528T>C (NM_004329.2); short protein forms S510P.
Identifiers: ClinVar variation 1697358 (VCV001697358.9), dbSNP rs2133624743, ClinGen allele CA377463851.
Genomic context (GRCh38, chr10:86,923,648, plus strand): 5'-TTTCAGTGTCTACGAGCAGTTTTGAAGCTAATGTCAGAATGCTGGGCCCACAATCCAGCC[T>C]CCAGACTCACAGCATTGAGAATTAAGAAGACGCTTGCCAAGATGGTTGAATCCCAAGATG-3'
Protein context (NP_004320.2, residues 500-520): MSECWAHNPA[Ser510Pro]RLTALRIKKT

ClinVar aggregate classification (germline): Uncertain significance. Review status: criteria provided, multiple submitters, no conflicts (2 of 4 stars). 2 submissions from 2 submitters: Uncertain significance (2). Last evaluated 2025-03-04.

Conditions:
Hereditary cancer-predisposing syndrome. Also called: Hereditary neoplastic syndrome; Tumor predisposition; Neoplastic Syndromes, Hereditary; Hereditary Cancer Syndrome. Identifiers: Orphanet 140162, MedGen C0027672, MeSH D009386, MONDO:0015356.

Submissions (2):

Center for Genomic Medicine, Rigshospitalet, Copenhagen University Hospital
Classification: Uncertain significance. Last evaluated: 2025-03-04. Review status: criteria provided, single submitter. Criteria: ACMG Guidelines, 2015. Collection method: clinical testing. Allele origin: germline.

Ambry Genetics
Classification: Uncertain significance for Hereditary cancer-predisposing syndrome. Last evaluated: 2023-09-14. Review status: criteria provided, single submitter. Criteria: Ambry Variant Classification Scheme 2023. Collection method: clinical testing. Allele origin: germline.
Comment: The p.S510P variant (also known as c.1528T>C), located in coding exon 11 of the BMPR1A gene, results from a T to C substitution at nucleotide position 1528. The serine at codon 510 is replaced by proline, an amino acid with similar properties. This amino acid position is highly conserved in available vertebrate species. In addition, this alteration is predicted to be deleterious by in silico analysis. Since supporting evidence is limited at this time, the clinical significance of this alteration remains unclear.